The following is an entry in ClinVar:

ClinVar aggregate classification (germline): Uncertain significance. Review status: criteria provided, multiple submitters, no conflicts (2 of 4 stars). 2 submissions from 2 submitters: Uncertain significance (2). Last evaluated 2026-02-17.

Conditions:
TMEM67-related disorder. Also called: TMEM67-related disorders; TMEM67-related condition. Identifiers: MedGen CN239423.
Joubert syndrome. Also called: Familial aplasia of the vermis; JOUBERT-BOLTSHAUSER SYNDROME. Identifiers: Orphanet 475, MedGen C5979921, MONDO:0018772.
Meckel-Gruber syndrome. Also called: Dysencephalia splachnocystica; GRUBER SYNDROME; DYSENCEPHALIA SPLANCHNOCYSTICA. Identifiers: Orphanet 564, MedGen C0265215, MONDO:0018921.

Allele frequency attached by ClinVar (database versions not stated): TOPMed below 0.00001; gnomAD 0.00001.
gnomAD v4.1: 2 of 1,584,340 alleles (0.00013%); highest among the groups gnomAD compares: Non-Finnish European, 0.00017%; no homozygotes.

Submissions (2):

PreventionGenetics, part of Exact Sciences
Classification: Uncertain significance for TMEM67-related condition. Last evaluated: 2026-02-17. Review status: criteria provided, single submitter. Criteria: ACMG Guidelines, 2015. Collection method: clinical testing. Allele origin: germline.
Comment: The TMEM67 c.1145T>G variant is predicted to result in the amino acid substitution p.Ile382Ser. To our knowledge, this variant has not been reported in the literature or in a large population database (gnomAD), indicating this variant is rare. At this time, the clinical significance of this variant is uncertain due to the absence of conclusive functional and genetic evidence.

Labcorp Genetics (formerly Invitae), Labcorp
Classification: Uncertain significance for Joubert syndrome; Meckel-Gruber syndrome. Last evaluated: 2021-09-24. Review status: criteria provided, single submitter. Criteria: Invitae Variant Classification Sherloc (09022015). Collection method: clinical testing. Allele origin: germline.
Comment: This sequence change replaces isoleucine with serine at codon 382 of the TMEM67 protein (p.Ile382Ser). The isoleucine residue is weakly conserved and there is a large physicochemical difference between isoleucine and serine. This variant is not present in population databases (ExAC no frequency). This variant has not been reported in the literature in individuals affected with TMEM67-related conditions. Advanced modeling of protein sequence and biophysical properties (such as structural, functional, and spatial information, amino acid conservation, physicochemical variation, residue mobility, and thermodynamic stability) performed at Invitae indicates that this missense variant is not expected to disrupt TMEM67 protein function. In summary, the available evidence is currently insufficient to determine the role of this variant in disease. Therefore, it has been classified as a Variant of Uncertain Significance.

NM_153704.6(TMEM67):c.1145T>G (p.Ile382Ser)

Gene: TMEM67 (transmembrane protein 67; plus strand). Cytogenetic location: 8q22.1.
Variant type: single nucleotide variant.
Coding change: c.1145T>G on transcript NM_153704.6 (MANE Select); coding-DNA position 1145, T replaced by G.
Protein change: p.Ile382Ser; replaces isoleucine 382 with serine.
Molecular consequence: missense variant. On other transcripts: non-coding transcript variant (1).
Genome position (GRCh38, 1-based): chr8:93,785,235, T>G. VCF-style: chr8-93785235-T-G. GRCh37 (hg19) VCF-style: chr8-94797463-T-G.
Other names: c.902T>G, p.Ile301Ser (NM_001142301.1); c.1145T>G (NM_153704.5); short protein forms I301S, I382S.
Identifiers: ClinVar variation 1399360 (VCV001399360.6), dbSNP rs1212851821, ClinGen allele CA371689217.